The following is an entry in ClinVar:

ClinVar aggregate classification (germline): Uncertain significance (1 of 4 stars; one submission).

gnomAD v4.1: 14 of 1,614,096 alleles (0.00087%); highest among the groups gnomAD compares: East Asian, 0.0022%; no homozygotes.

Submission:

Labcorp Genetics (formerly Invitae), Labcorp
Classification: Uncertain significance. Last evaluated: 2024-04-30. Review status: criteria provided, single submitter. Criteria: Invitae Variant Classification Sherloc (09022015). Collection method: clinical testing. Allele origin: germline.
Comment: This sequence change replaces glycine, which is neutral and non-polar, with arginine, which is basic and polar, at codon 164 of the CRAT protein (p.Gly164Arg). This variant is present in population databases (rs765377737, gnomAD 0.0009%). This variant has not been reported in the literature in individuals affected with CRAT-related conditions. ClinVar contains an entry for this variant (Variation ID: 1954008). Advanced modeling of protein sequence and biophysical properties (such as structural, functional, and spatial information, amino acid conservation, physicochemical variation, residue mobility, and thermodynamic stability) performed at Invitae indicates that this missense variant is not expected to disrupt CRAT protein function with a negative predictive value of 80%. In summary, the available evidence is currently insufficient to determine the role of this variant in disease. Therefore, it has been classified as a Variant of Uncertain Significance.

NM_000755.5(CRAT):c.490G>C (p.Gly164Arg)

Gene: CRAT (carnitine O-acetyltransferase; minus strand). Cytogenetic location: 9q34.11.
Variant type: single nucleotide variant.
Coding change: c.490G>C on transcript NM_000755.5 (MANE Select); coding-DNA position 490, G replaced by C.
Protein change: p.Gly164Arg; replaces glycine 164 with arginine.
Molecular consequence: missense variant.
Genome position (GRCh38, 1-based): chr9:129,102,540, C>G on the plus strand (G>C on the coding strand, the complement: CRAT is on the minus strand). VCF-style: chr9-129102540-C-G. GRCh37 (hg19) VCF-style: chr9-131864819-C-G.
Other names: c.427G>C, p.Gly143Arg (NM_001257363.3, NM_001346548.2, NM_004003.4); c.493G>C, p.Gly165Arg (NM_001346546.2); c.490G>C, p.Gly164Arg (NM_001346547.2); c.370G>C, p.Gly124Arg (NM_001346549.2); short protein forms G124R, G164R, G143R, G165R.
Identifiers: ClinVar variation 1954008 (VCV001954008.5), dbSNP rs765377737, ClinGen allele CA5275720.